The following is an entry in ClinVar:

NM_015909.4(NBAS):c.1165C>T (p.Pro389Ser)

Gene: NBAS (NBAS subunit of NRZ tethering complex; minus strand). Cytogenetic location: 2p24.3.
Variant type: single nucleotide variant.
Coding change: c.1165C>T on transcript NM_015909.4 (MANE Select); coding-DNA position 1165, C replaced by T.
Protein change: p.Pro389Ser; replaces proline 389 with serine.
Molecular consequence: missense variant. On other transcripts: non-coding transcript variant (1).
Genome position (GRCh38, 1-based): chr2:15,475,863, G>A on the plus strand (C>T on the coding strand, the complement: NBAS is on the minus strand). VCF-style: chr2-15475863-G-A. GRCh37 (hg19) VCF-style: chr2-15615987-G-A.
Other names: short protein forms P389S.
Identifiers: ClinVar variation 1969646 (VCV001969646.4), dbSNP rs1432614380, ClinGen allele CA345891344.
Genomic context (GRCh38, chr2:15,475,863, plus strand): 5'-CACCAGAGCATCGAGCTAAAGTCACTGCACTGTCTGCCCACCAATTGACATCTATCAGTG[G>A]GTAAAAGGACTCTTTATCTAAGAAGCGAAAAACAAATCAATACAAATGCATCTGCTAATG-3'
Protein context (NP_056993.2, residues 379-399): KKIKDKESFY[Pro389Ser]LIDVNWWADS

ClinVar aggregate classification (germline): Uncertain significance (1 of 4 stars; one submission).

Submission:

Labcorp Genetics (formerly Invitae), Labcorp
Classification: Uncertain significance. Last evaluated: 2024-09-25. Review status: criteria provided, single submitter. Criteria: Invitae Variant Classification Sherloc (09022015). Collection method: clinical testing. Allele origin: germline.
Comment: This sequence change replaces proline, which is neutral and non-polar, with serine, which is neutral and polar, at codon 389 of the NBAS protein (p.Pro389Ser). This variant is not present in population databases (gnomAD no frequency). This variant has not been reported in the literature in individuals affected with NBAS-related conditions. ClinVar contains an entry for this variant (Variation ID: 1969646). Invitae Evidence Modeling of protein sequence and biophysical properties (such as structural, functional, and spatial information, amino acid conservation, physicochemical variation, residue mobility, and thermodynamic stability) indicates that this missense variant is not expected to disrupt NBAS protein function with a negative predictive value of 80%. In summary, the available evidence is currently insufficient to determine the role of this variant in disease. Therefore, it has been classified as a Variant of Uncertain Significance.